The following is an entry in ClinVar:

ClinVar aggregate classification (germline): Conflicting classifications of pathogenicity. Review status: criteria provided, conflicting classifications (1 of 4 stars). 2 submissions from 2 submitters: Likely pathogenic (1); Uncertain significance (1). Last evaluated 2026-01-20.

Conditions:
Smith-Lemli-Opitz syndrome (SLOS). Also called: 7-Dehydrocholesterol reductase deficiency; LETHAL ACRODYSGENITAL SYNDROME; POLYDACTYLY, SEX REVERSAL, RENAL HYPOPLASIA, AND UNILOBAR LUNG; RSH SYNDROME; RUTLEDGE LETHAL MULTIPLE CONGENITAL ANOMALY SYNDROME. Identifiers: Orphanet 818, MedGen C0175694, MONDO:0010035, OMIM 270400.

Allele frequency attached by ClinVar (database versions not stated): gnomAD exomes 0.00001; ExAC 0.00004.
gnomAD v4.1: 5 of 1,608,956 alleles (0.00031%); highest among the groups gnomAD compares: Non-Finnish European, 0.00042%; no homozygotes.

Submissions (2):

Clinical Genetics and Genomics, Karolinska University Hospital
Classification: Likely pathogenic for Smith-Lemli-Opitz syndrome. Last evaluated: 2026-01-20. Review status: criteria provided, single submitter. Criteria: ACMG Guidelines, 2015. Collection method: clinical testing. Allele origin: germline. Inheritance: Autosomal recessive inheritance. Affected: yes.

Labcorp Genetics (formerly Invitae), Labcorp
Classification: Uncertain significance for Smith-Lemli-Opitz syndrome. Last evaluated: 2022-08-16. Review status: criteria provided, single submitter. Criteria: Invitae Variant Classification Sherloc (09022015). Collection method: clinical testing. Allele origin: germline.
Comment: In summary, the available evidence is currently insufficient to determine the role of this variant in disease. Therefore, it has been classified as a Variant of Uncertain Significance. Algorithms developed to predict the effect of sequence changes on RNA splicing suggest that this variant may create or strengthen a splice site. Advanced modeling of protein sequence and biophysical properties (such as structural, functional, and spatial information, amino acid conservation, physicochemical variation, residue mobility, and thermodynamic stability) performed at Invitae indicates that this missense variant is expected to disrupt DHCR7 protein function. This variant has not been reported in the literature in individuals affected with DHCR7-related conditions. This variant is present in population databases (rs776577137, gnomAD 0.005%). This sequence change replaces histidine, which is basic and polar, with glutamine, which is neutral and polar, at codon 405 of the DHCR7 protein (p.His405Gln).

NM_001360.3(DHCR7):c.1215C>G (p.His405Gln)

Gene: DHCR7 (7-dehydrocholesterol reductase; minus strand). Cytogenetic location: 11q13.4.
Variant type: single nucleotide variant.
Coding change: c.1215C>G on transcript NM_001360.3 (MANE Select); coding-DNA position 1215, C replaced by G.
Protein change: p.His405Gln; replaces histidine 405 with glutamine.
Molecular consequence: missense variant.
Genome position (GRCh38, 1-based): chr11:71,435,588, G>C on the plus strand (C>G on the coding strand, the complement: DHCR7 is on the minus strand). VCF-style: chr11-71435588-G-C. GRCh37 (hg19) VCF-style: chr11-71146634-G-C.
Other names: c.1215C>G, p.His405Gln (NM_001163817.2); short protein forms H405Q.
Identifiers: ClinVar variation 2093999 (VCV002093999.5), dbSNP rs776577137, ClinGen allele CA6162286.